The following is an entry in ClinVar:

ClinVar aggregate classification (germline): Uncertain significance (1 of 4 stars; one submission).

Conditions:
NRP1-related disorder. Also called: NRP1-related condition.

gnomAD v4.1: 44 of 1,613,998 alleles (0.0027%); highest among the groups gnomAD compares: Non-Finnish European, 0.002%; no homozygotes.

Submission:

PreventionGenetics, part of Exact Sciences
Classification: Uncertain significance for NRP1-related condition. Last evaluated: 2026-08-09. Review status: criteria provided, single submitter. Criteria: ACMG Guidelines, 2015. Collection method: clinical testing. Allele origin: germline.
Comment: The NRP1 c.2608C>T variant is predicted to result in the amino acid substitution p.Leu870Phe. To our knowledge, this variant has not been reported in the literature. This variant is reported in 0.037% of alleles in individuals of European (Finnish) descent in gnomAD. At this time, the clinical significance of this variant is uncertain due to the absence of conclusive functional and genetic evidence.

NM_003873.7(NRP1):c.2608C>T (p.Leu870Phe)

Gene: NRP1 (neuropilin 1; minus strand). Cytogenetic location: 10p11.22.
Variant type: single nucleotide variant.
Coding change: c.2608C>T on transcript NM_003873.7 (MANE Select); coding-DNA position 2608, C replaced by T.
Protein change: p.Leu870Phe; replaces leucine 870 with phenylalanine.
Molecular consequence: missense variant. On other transcripts: non-coding transcript variant (1).
Genome position (GRCh38, 1-based): chr10:33,180,240, G>A on the plus strand (C>T on the coding strand, the complement: NRP1 is on the minus strand). VCF-style: chr10-33180240-G-A. GRCh37 (hg19) VCF-style: chr10-33469168-G-A.
Other names: c.2590C>T, p.Leu864Phe (NM_001244972.2); c.2587C>T, p.Leu863Phe (NM_001244973.2); c.2557C>T, p.Leu853Phe (NM_001330068.2); short protein forms L853F, L870F, L864F, L863F.
Identifiers: ClinVar variation 4978981 (VCV004978981.1).